The following is an entry in ClinVar:

NM_014244.5(ADAMTS2):c.710A>C (p.Asp237Ala)

Gene: ADAMTS2 (ADAM metallopeptidase with thrombospondin type 1 motif 2; minus strand). Cytogenetic location: 5q35.3.
Variant type: single nucleotide variant.
Coding change: c.710A>C on transcript NM_014244.5 (MANE Select); coding-DNA position 710, A replaced by C.
Protein change: p.Asp237Ala; replaces aspartic acid 237 with alanine.
Molecular consequence: missense variant.
Genome position (GRCh38, 1-based): chr5:179,207,694, T>G on the plus strand (A>C on the coding strand, the complement: ADAMTS2 is on the minus strand). VCF-style: chr5-179207694-T-G. GRCh37 (hg19) VCF-style: chr5-178634695-T-G.
Other names: p.Asp237Ala; c.710A>C, p.Asp237Ala (NM_021599.4); short protein forms D237A.
Identifiers: ClinVar variation 353137 (VCV000353137.57), dbSNP rs202197821, ClinGen allele CA3596198.
Genomic context (GRCh38, chr5:179,207,694, plus strand): 5'-GCCCTCCGCCTCGAGCTGTTGGCGTGCTCCTCTAGGACGCCCAGGGCGCGGCTGAGGCTG[T>G]CCAGGCTGTCCAGGGAGGCCCCTGCAAGGAGAGGACACCGTCTTCAGCGGCAGGGCAAAC-3'
Protein context (NP_055059.2, residues 227-247): LDTGASLDSL[Asp237Ala]SLSRALGVLE

ClinVar aggregate classification (germline): Uncertain significance. Review status: criteria provided, multiple submitters, no conflicts (2 of 4 stars). 10 submissions from 10 submitters: Uncertain significance (9). 1 of the submissions does not count toward it. Last evaluated 2026-05-05.

Conditions:
Ehlers-Danlos syndrome, dermatosparaxis type. Also called: EDS VIIC; Dermatosparaxis; Ehlers-Danlos syndrome, type VII, autosomal recessive. Identifiers: Orphanet 1901, MedGen C2700425, MONDO:0009161, OMIM 225410.
Inborn genetic diseases. Identifiers: MedGen C0950123, MeSH D030342.
Ehlers-Danlos syndrome (EDS). Identifiers: Orphanet 98249, MedGen C0013720, MONDO:0020066.

Allele frequency attached by ClinVar (database versions not stated): TOPMed 0.00008; gnomAD 0.00009 and 0.00011; ExAC 0.00010; gnomAD exomes 0.00010 and 0.00017.
gnomAD v4.1: 252 of 1,611,552 alleles (0.016%); highest among the groups gnomAD compares: Non-Finnish European, 0.02%; no homozygotes.

Submissions (10):

Women's Health and Genetics/Laboratory Corporation of America, LabCorp
Classification: Uncertain significance. Last evaluated: 2026-05-05. Review status: criteria provided, single submitter. Criteria: LabCorp Variant Classification Summary - May 2015. Collection method: clinical testing. Allele origin: germline.
Comment: Variant summary: ADAMTS2 c.710A>C (p.Asp237Ala) results in a non-conservative amino acid change in the encoded protein sequence. Algorithms developed to predict the effect of missense changes on protein structure and function are either unavailable or do not agree on the potential impact of this missense change. The variant allele was found at a frequency of 0.0001 in 249622 control chromosomes. This frequency is not significantly higher than estimated for disease-causing variants in ADAMTS2, allowing no conclusion about variant significance. To our knowledge, no occurrence of c.710A>C in individuals affected with ADAMTS2-related conditions and no experimental evidence demonstrating its impact on protein function have been reported. ClinVar contains an entry for this variant (Variation ID: 353137). Based on the evidence outlined above, the variant was classified as uncertain significance.

Ambry Genetics
Classification: Uncertain significance for Inborn genetic diseases. Last evaluated: 2023-10-16. Review status: criteria provided, single submitter. Criteria: Ambry Variant Classification Scheme 2023. Collection method: clinical testing. Allele origin: germline.

Mayo Clinic Laboratories, Mayo Clinic
Classification: Uncertain significance. Last evaluated: 2022-11-01. Review status: criteria provided, single submitter. Criteria: ACMG Guidelines, 2015. Collection method: clinical testing. Allele origin: germline. Observed: 1 variant allele.
Comment: BP4

Labcorp Genetics (formerly Invitae), Labcorp
Classification: Uncertain significance for Ehlers-Danlos syndrome, dermatosparaxis type. Last evaluated: 2022-05-14. Review status: criteria provided, single submitter. Criteria: Invitae Variant Classification Sherloc (09022015). Collection method: clinical testing. Allele origin: germline.
Comment: This sequence change replaces aspartic acid, which is acidic and polar, with alanine, which is neutral and non-polar, at codon 237 of the ADAMTS2 protein (p.Asp237Ala). This variant is present in population databases (rs202197821, gnomAD 0.02%). This variant has not been reported in the literature in individuals affected with ADAMTS2-related conditions. ClinVar contains an entry for this variant (Variation ID: 353137). Algorithms developed to predict the effect of missense changes on protein structure and function are either unavailable or do not agree on the potential impact of this missense change (SIFT: "Deleterious"; PolyPhen-2: "Benign"; Align-GVGD: "Class C65"). In summary, the available evidence is currently insufficient to determine the role of this variant in disease. Therefore, it has been classified as a Variant of Uncertain Significance.

Genome Diagnostics Laboratory, The Hospital for Sick Children
Classification: Uncertain significance for Ehlers-Danlos syndrome. Last evaluated: 2021-06-17. Review status: criteria provided, single submitter. Criteria: ACMG Guidelines, 2015. Collection method: clinical testing. Allele origin: germline.

GeneDx
Classification: Uncertain significance. Last evaluated: 2018-12-19. Review status: criteria provided, single submitter. Criteria: GeneDx Variant Classification (06012015). Collection method: clinical testing. Allele origin: germline. Affected: yes.
Comment: The D237A variant has not been published as pathogenic or been reported as benign to our knowledge. This variant is observed in 23/126402 (0.02%) alleles from individuals of European (non-Finnish) ancestry in large population cohorts (Lek et al., 2016). In-silico analyses, including protein predictors and evolutionary conservation, support that this variant does not alter protein structure/function. Nevertheless, the D237A variant is a non-conservative amino acid substitution, which is likely to impact secondary protein structure as these residues differ in polarity, charge, size and/or other properties.

Fulgent Genetics
Classification: Uncertain significance for Ehlers-Danlos syndrome, dermatosparaxis type. Last evaluated: 2018-10-31. Review status: criteria provided, single submitter. Criteria: ACMG Guidelines, 2015. Collection method: clinical testing. Allele origin: unknown.

CeGaT Center for Human Genetics Tuebingen
Classification: Uncertain significance. Last evaluated: 2018-02-01. Review status: criteria provided, single submitter. Criteria: CeGaT Center For Human Genetics Tuebingen Variant Classification Criteria Version 2. Collection method: clinical testing. Allele origin: germline. Affected: yes. Observed: 1 variant allele.

Illumina Laboratory Services, Illumina
Classification: Uncertain significance for Ehlers-Danlos syndrome, dermatosparaxis type. Last evaluated: 2018-01-12. Review status: criteria provided, single submitter. Criteria: ICSL Variant Classification Criteria 13 December 2019. Collection method: clinical testing. Allele origin: germline.

Natera, Inc.
Classification: Uncertain significance for Ehlers-Danlos syndrome type VIIC. Last evaluated: 2020-04-20. Review status: no assertion criteria provided. Collection method: clinical testing. Allele origin: germline. Not counted in ClinVar's aggregate classification.